The following is an entry in ClinVar:

ClinVar aggregate classification (germline): Uncertain significance (1 of 4 stars; one submission).

Conditions:
Hereditary cancer-predisposing syndrome. Also called: Neoplastic Syndromes, Hereditary; Tumor predisposition; Hereditary neoplastic syndrome; Hereditary Cancer Syndrome. Identifiers: Orphanet 140162, MedGen C0027672, MeSH D009386, MONDO:0015356.

Submission:

Ambry Genetics
Classification: Uncertain significance for Hereditary cancer-predisposing syndrome. Last evaluated: 2025-05-09. Review status: criteria provided, single submitter. Criteria: Ambry Variant Classification Scheme 2023. Collection method: clinical testing. Allele origin: germline.
Comment: The p.P64R variant (also known as c.191C>G), located in coding exon 2 of the MITF gene, results from a C to G substitution at nucleotide position 191. The proline at codon 64 is replaced by arginine, an amino acid with dissimilar properties. This amino acid position is conserved. In addition, the in silico prediction for this alteration is inconclusive. Based on the available evidence, the clinical significance of this variant remains unclear.

NM_001354604.2(MITF):c.512C>G (p.Pro171Arg)

Gene: MITF (melanocyte inducing transcription factor; plus strand). Cytogenetic location: 3p13.
Variant type: single nucleotide variant.
Coding change: c.512C>G on transcript NM_001354604.2 (MANE Select); coding-DNA position 512, C replaced by G.
Protein change: p.Pro171Arg; replaces proline 171 with arginine.
Molecular consequence: missense variant. On other transcripts: intron variant (1).
Genome position (GRCh38, 1-based): chr3:69,937,979, C>G. VCF-style: chr3-69937979-C-G. GRCh37 (hg19) VCF-style: chr3-69987130-C-G.
Other names: c.191C>G, p.Pro64Arg (NM_000248.4, NM_001184968.2, NM_198158.3); c.356C>G, p.Pro119Arg (NM_001184967.2, NM_001354608.2); c.509C>G, p.Pro170Arg (NM_001354605.2, NM_001354606.2, NM_006722.3); c.461C>G, p.Pro154Arg (NM_001354607.2); c.512C>G, p.Pro171Arg (NM_198159.3); c.464C>G, p.Pro155Arg (NM_198177.3); c.93+98C>G (NM_198178.3); short protein forms P154R, P155R, P119R, P170R, P171R, P64R.
Identifiers: ClinVar variation 4055204 (VCV004055204.1).
Genomic context (GRCh38, chr3:69,937,979, plus strand): 5'-ATGCCAACCAAGTCCTGAGCTTGCCATGTCCAAACCAGCCTGGCGATCATGTCATGCCAC[C>G]GGTGCCGGGGAGCAGCGCACCCAACAGCCCCATGGCTATGCTTACGCTTAACTCCAACTG-3'
Protein context (NP_001341533.1, residues 161-181): PNQPGDHVMP[Pro171Arg]VPGSSAPNSP